The following is an entry in ClinVar:

NM_005045.4(RELN):c.3164A>G (p.Gln1055Arg)

Gene: RELN (reelin; minus strand). Cytogenetic location: 7q22.1.
Variant type: single nucleotide variant.
Coding change: c.3164A>G on transcript NM_005045.4 (MANE Select); coding-DNA position 3164, A replaced by G.
Protein change: p.Gln1055Arg; replaces glutamine 1055 with arginine.
Molecular consequence: missense variant.
Genome position (GRCh38, 1-based): chr7:103,603,473, T>C on the plus strand (A>G on the coding strand, the complement: RELN is on the minus strand). VCF-style: chr7-103603473-T-C. GRCh37 (hg19) VCF-style: chr7-103243920-T-C.
Other names: c.3164A>G, p.Gln1055Arg (NM_173054.3); short protein forms Q1055R.
Identifiers: ClinVar variation 648852 (VCV000648852.5), dbSNP rs1455749393, ClinGen allele CA368763456.
Genomic context (GRCh38, chr7:103,603,473, plus strand): 5'-TTCTCAAAATCTGACATAATTGTGGACGGAAGGGCAGCTTCTGGGTGGCATTCAGTGCCT[T>C]GGTACCCCTGGTCACACCTATGAGAGAGCAGGGCTGAGTAGGCAGGTTACAGGCCCACCT-3'
Protein context (NP_005036.2, residues 1045-1065): HGICRCDQGY[Gln1055Arg]GTECHPEAAL

ClinVar aggregate classification (germline): Uncertain significance (1 of 4 stars; one submission).

Conditions:
Norman-Roberts syndrome (LIS2). Also called: Lissencephaly 2 (Norman-Roberts type). Identifiers: Orphanet 89844, MedGen C0796089, MONDO:0009760, OMIM 257320.
Familial temporal lobe epilepsy 7. Identifiers: Orphanet 101046, MedGen C4225327, MONDO:0014639, OMIM 616436.

Allele frequency attached by ClinVar (database versions not stated): gnomAD 0.00001; TOPMed 0.00001; gnomAD exomes 0.00002.
gnomAD v4.1: 5 of 1,613,732 alleles (0.00031%); highest among the groups gnomAD compares: Admixed American, 0.005%; no homozygotes.

Submission:

Labcorp Genetics (formerly Invitae), Labcorp
Classification: Uncertain significance for Familial temporal lobe epilepsy 7; Norman-Roberts syndrome. Last evaluated: 2025-12-03. Review status: criteria provided, single submitter. Criteria: Invitae Variant Classification Sherloc (09022015). Collection method: clinical testing. Allele origin: germline.
Comment: This sequence change replaces glutamine, which is neutral and polar, with arginine, which is basic and polar, at codon 1055 of the RELN protein (p.Gln1055Arg). This variant is present in population databases (no rsID available, gnomAD 0.006%). This variant has not been reported in the literature in individuals affected with RELN-related conditions. ClinVar contains an entry for this variant (Variation ID: 648852). Invitae Evidence Modeling of protein sequence and biophysical properties (such as structural, functional, and spatial information, amino acid conservation, physicochemical variation, residue mobility, and thermodynamic stability) indicates that this missense variant is not expected to disrupt RELN protein function with a negative predictive value of 80%. In summary, the available evidence is currently insufficient to determine the role of this variant in disease. Therefore, it has been classified as a Variant of Uncertain Significance.